The following is an entry in ClinVar:

ClinVar aggregate classification (germline): Uncertain significance (1 of 4 stars; one submission).

Conditions:
Familial thoracic aortic aneurysm and aortic dissection (TAAD). Also called: Thoracic aortic aneurysms and dissections. Identifiers: Orphanet 91387, MedGen C4707243, MONDO:0019625.

Submission:

Ambry Genetics
Classification: Uncertain significance for Familial thoracic aortic aneurysm and aortic dissection. Last evaluated: 2021-03-30. Review status: criteria provided, single submitter. Criteria: Ambry Variant Classification Scheme 2023. Collection method: clinical testing. Allele origin: germline.
Comment: The p.S1891F variant (also known as c.5672C>T), located in coding exon 39 of the MED12 gene, results from a C to T substitution at nucleotide position 5672. The serine at codon 1891 is replaced by phenylalanine, an amino acid with highly dissimilar properties. This amino acid position is well conserved in available vertebrate species. In addition, this alteration is predicted to be tolerated by in silico analysis. Since supporting evidence is limited at this time, the clinical significance of this alteration remains unclear.

NM_005120.3(MED12):c.5672C>T (p.Ser1891Phe)

Gene: MED12 (mediator complex subunit 12; plus strand). Cytogenetic location: Xq13.1.
Variant type: single nucleotide variant.
Coding change: c.5672C>T on transcript NM_005120.3 (MANE Select); coding-DNA position 5672, C replaced by T.
Protein change: p.Ser1891Phe; replaces serine 1891 with phenylalanine.
Molecular consequence: missense variant.
Genome position (GRCh38, 1-based): chrX:71,137,307, C>T. VCF-style: chrX-71137307-C-T. GRCh37 (hg19) VCF-style: chrX-70357157-C-T.
Other names: short protein forms S1891F.
Identifiers: ClinVar variation 1748981 (VCV001748981.2), dbSNP rs2519714158, ClinGen allele CA413537163.